The following is an entry in ClinVar:

ClinVar aggregate classification (germline): Uncertain significance (1 of 4 stars; one submission).

Submission:

GeneDx
Classification: Uncertain significance. Last evaluated: 2025-01-06. Review status: criteria provided, single submitter. Criteria: GeneDx Variant Classification Process June 2021. Collection method: clinical testing. Allele origin: germline. Affected: yes.
Comment: In silico analysis supports that this missense variant has a deleterious effect on protein structure/function; Has not been previously published as pathogenic or benign to our knowledge

NM_004628.5(XPC):c.1264C>T (p.Arg422Trp)

Gene: XPC (XPC complex subunit, DNA damage recognition and repair factor; minus strand). Cytogenetic location: 3p25.1.
Variant type: single nucleotide variant.
Coding change: c.1264C>T on transcript NM_004628.5 (MANE Select); coding-DNA position 1264, C replaced by T.
Protein change: p.Arg422Trp; replaces arginine 422 with tryptophan.
Molecular consequence: missense variant. On other transcripts: non-coding transcript variant (2).
Genome position (GRCh38, 1-based): chr3:14,158,619, G>A on the plus strand (C>T on the coding strand, the complement: XPC is on the minus strand). VCF-style: chr3-14158619-G-A. GRCh37 (hg19) VCF-style: chr3-14200119-G-A.
Other names: c.685C>T, p.Arg229Trp (NM_001354726.2); c.1264C>T, p.Arg422Trp (NM_001354727.2, NM_001354730.2); c.1246C>T, p.Arg416Trp (NM_001354729.2); short protein forms R416W, R229W, R422W.
Identifiers: ClinVar variation 4055961 (VCV004055961.1).